The following is an entry in ClinVar:

NM_001037984.3(SLC38A10):c.1146C>T (p.Val382=)

Gene: SLC38A10 (solute carrier family 38 member 10; minus strand). Cytogenetic location: 17q25.3.
Variant type: single nucleotide variant.
Coding change: c.1146C>T on transcript NM_001037984.3 (MANE Select); coding-DNA position 1146, C replaced by T.
Protein change: p.Val382=; no amino-acid change (valine 382 retained).
Molecular consequence: synonymous variant.
Genome position (GRCh38, 1-based): chr17:81,260,380, G>A on the plus strand (C>T on the coding strand, the complement: SLC38A10 is on the minus strand). VCF-style: chr17-81260380-G-A. GRCh37 (hg19) VCF-style: chr17-79234180-G-A.
Other names: c.1146C>T, p.Val382= (NM_138570.4).
Identifiers: ClinVar variation 3038381 (VCV003038381.2), dbSNP rs34228248, ClinGen allele CA8832069.
Genomic context (GRCh38, chr17:81,260,380, plus strand): 5'-GGGGACCTCCTCGCTCACAGACAGTGTGGTGACAGTGCTCACCACCAGGACGCCCAGGCC[G>A]ACCCACAGCACCACCTGAGGAGACAAAGACCCCAGGGGCGGGAGTCACAGCTGGCCCCCG-3'
Protein context (NP_001033073.1, residues 372-392): NALSSQVVLW[Val382=]GLGVLVVSTV

ClinVar aggregate classification (germline): Benign (0 of 4 stars; one submission).

Conditions:
SLC38A10-related disorder. Also called: SLC38A10-related condition.

Allele frequency attached by ClinVar (database versions not stated): 1000 Genomes Project 30x 0.00500; 1000 Genomes Project 0.00539; TOPMed 0.00905; gnomAD 0.00950; ESP Exome Variant Server 0.01209.
gnomAD v4.1: 18,152 of 1,611,136 alleles (1.1%); highest among the groups gnomAD compares: Middle Eastern, 1.7%; 127 homozygotes.

Submission:

PreventionGenetics, part of Exact Sciences
Classification: Benign for SLC38A10-related condition. Last evaluated: 2020-04-29. Review status: no assertion criteria provided. Collection method: clinical testing. Allele origin: germline.
Comment: This variant is classified as benign based on ACMG/AMP sequence variant interpretation guidelines (Richards et al. 2015 PMID: 25741868, with internal and published modifications).